The following is an entry in ClinVar:

ClinVar aggregate classification (germline): Pathogenic. Review status: criteria provided, multiple submitters, no conflicts (2 of 4 stars). 5 submissions from 5 submitters: Pathogenic (4). 1 of the submissions does not count toward it. Last evaluated 2026-02-24.

Conditions:
Mucopolysaccharidosis, MPS-III-C (MPS3C). Also called: mucopolysaccharidosis type 3C; MPS III C; Mucopolysaccharidosis type IIIC (Sanfilippo C); MUCOPOLYSACCHARIDOSIS, TYPE IIIC; SANFILIPPO SYNDROME C; MPS IIIC (Sanfilippo Syndrome Type C). Identifiers: Orphanet 581, Orphanet 79271, MedGen C0086649, MONDO:0009657, OMIM 252930.
Retinitis pigmentosa 73 (RP73). Identifiers: Orphanet 791, MedGen C4225287, MONDO:0014687, OMIM 616544.

Allele frequency attached by ClinVar (database versions not stated): gnomAD exomes below 0.00001.

Submissions (5):

Women's Health and Genetics/Laboratory Corporation of America, LabCorp
Classification: Pathogenic for Mucopolysaccharidosis, MPS-III-C. Last evaluated: 2026-02-24. Review status: criteria provided, single submitter. Criteria: LabCorp Variant Classification Summary - May 2015. Collection method: clinical testing. Allele origin: germline.
Comment: Variant summary: HGSNAT c.525dupT (p.Val176CysfsX16) results in a premature termination codon, predicted to cause a truncation of the encoded protein or absence of the protein due to nonsense mediated decay, which are commonly known mechanisms for disease. The variant was absent in 247300 control chromosomes. c.525dupT has been observed in multiple individuals affected with Mucopolysaccharidosis, MPS-III-C and retinitis pigmentosa (e.g., Coutinho_2008, daPalma_2024). These data indicate that the variant is very likely to be associated with disease. The following publications have been ascertained in the context of this evaluation (PMID: 37592806, 18518886). ClinVar contains an entry for this variant (Variation ID: 1235). Based on the evidence outlined above, the variant was classified as pathogenic.

Labcorp Genetics (formerly Invitae), Labcorp
Classification: Pathogenic for Retinitis pigmentosa 73; Mucopolysaccharidosis, MPS-III-C. Last evaluated: 2025-03-17. Review status: criteria provided, single submitter. Criteria: Invitae Variant Classification Sherloc (09022015). Collection method: clinical testing. Allele origin: germline.
Comment: This sequence change creates a premature translational stop signal (p.Val176Cysfs*16) in the HGSNAT gene. It is expected to result in an absent or disrupted protein product. Loss-of-function variants in HGSNAT are known to be pathogenic (PMID: 17033958, 19479962, 25859010). This variant is not present in population databases (gnomAD no frequency). This premature translational stop signal has been observed in individual(s) with HGSNAT-related conditions (PMID: 18518886). ClinVar contains an entry for this variant (Variation ID: 1235). For these reasons, this variant has been classified as Pathogenic.

GeneDx
Classification: Pathogenic. Last evaluated: 2022-05-05. Review status: criteria provided, single submitter. Criteria: GeneDx Variant Classification Process June 2021. Collection method: clinical testing. Allele origin: germline. Affected: yes.
Comment: Frameshift variant predicted to result in protein truncation or nonsense mediated decay in a gene for which loss of function is a known mechanism of disease; Not observed at significant frequency in large population cohorts (gnomAD); This variant is associated with the following publications: (PMID: 18518886)

Fulgent Genetics
Classification: Pathogenic for Mucopolysaccharidosis, MPS-III-C; Retinitis pigmentosa 73. Last evaluated: 2021-07-23. Review status: criteria provided, single submitter. Criteria: ACMG Guidelines, 2015. Collection method: clinical testing. Allele origin: unknown.

OMIM
Classification: Pathogenic for MUCOPOLYSACCHARIDOSIS, TYPE IIIC. Last evaluated: 2008-08-01. Review status: no assertion criteria provided. Collection method: literature only. Allele origin: germline. Not counted in ClinVar's aggregate classification.

Literature cited by the submitters: PubMed 18518886 (cited by 3 submitters); PubMed 37592806 (cited by Women's Health and Genetics/Laboratory Corporation of America, LabCorp); PubMed 17033958 (cited by Labcorp Genetics (formerly Invitae), Labcorp); PubMed 19479962 (cited by Labcorp Genetics (formerly Invitae), Labcorp); PubMed 25859010 (cited by Labcorp Genetics (formerly Invitae), Labcorp).

NM_152419.3(HGSNAT):c.525dup (p.Val176fs)

Gene: HGSNAT (heparan-alpha-glucosaminide N-acetyltransferase; plus strand). Cytogenetic location: 8p11.21.
Variant type: Duplication.
Coding change: c.525dup on transcript NM_152419.3 (MANE Select); coding-DNA position 525, one base duplicated (T; older notation c.525dupT).
Protein change: p.Val176fs; shifts the reading frame from valine 176.
Molecular consequence: frameshift variant. On other transcripts: 5 prime UTR variant (1).
Genome position (GRCh38, 1-based): chr8:43,161,469, T duplicated. VCF-style (leftmost placement, unchanged base first): chr8-43161468-C-CT. GRCh37 (hg19) VCF-style: chr8-43016611-C-CT.
Other names: c.525dupT (NM_152419.3); c.525dup, p.Val176fs (NM_001363227.2, NM_001363228.2); c.-309dup (NM_001363229.2); short protein forms V176fs.
Identifiers: ClinVar variation 1235 (VCV000001235.10), dbSNP rs483352895, ClinGen allele CA114869.
Genomic context (GRCh38, chr8:43,161,468, plus strand): 5'-GGGCTAATGTGTTTTCTTCTCTTTTTCTAGCTGTGAGCATTGCATTCCTTATTGGTCTTG[C>CT]TGTCATCATTGTGATATCCTTTCTGAGGCTCTTGTTGAGGTAAGATATTTGGGGAGGACG-3'